The following is an entry in ClinVar:

ClinVar aggregate classification (germline): Uncertain significance (1 of 4 stars; one submission).

Conditions:
Hereditary cancer-predisposing syndrome. Also called: Neoplastic Syndromes, Hereditary; Hereditary Cancer Syndrome; Hereditary neoplastic syndrome; Tumor predisposition. Identifiers: Orphanet 140162, MedGen C0027672, MeSH D009386, MONDO:0015356.

Allele frequency attached by ClinVar (database versions not stated): TOPMed below 0.00001.

Submission:

Ambry Genetics
Classification: Uncertain significance for Hereditary cancer-predisposing syndrome. Last evaluated: 2025-08-05. Review status: criteria provided, single submitter. Criteria: Ambry Variant Classification Scheme 2023. Collection method: clinical testing. Allele origin: germline.
Comment: The c.5332+564C>G intronic variant results from a C to G substitution 564 nucleotides after coding exon 19 in the BRCA1 gene. This nucleotide position is highly conserved in available vertebrate species. In silico splice site analysis predicts that this alteration may result in the creation or strengthening of a novel splice donor site; however, direct evidence is insufficient at this time (Ambry internal data). Since supporting evidence is limited at this time, the clinical significance of this alteration remains unclear.

NM_007294.4(BRCA1):c.5332+564C>G

Gene: BRCA1 (BRCA1 DNA repair associated; minus strand). Cytogenetic location: 17q21.31.
Variant type: single nucleotide variant.
Coding change: c.5332+564C>G on transcript NM_007294.4 (MANE Select); 564 bases into the intron after coding-DNA position 5332, C replaced by G.
Molecular consequence: intron variant.
Genome position (GRCh38, 1-based): chr17:43,050,499, G>C on the plus strand (C>G on the coding strand, the complement: BRCA1 is on the minus strand). VCF-style: chr17-43050499-G-C. GRCh37 (hg19) VCF-style: chr17-41202516-G-C.
Other names: c.5398+564C>G (NM_001407582.1, NM_001407581.1); c.1942+564C>G (NM_001408414.1, NM_001408412.1, NM_001408413.1 and 2 more transcripts); c.5116+564C>G (NM_001407917.1, NM_001407918.1, NM_001407915.1 and 1 more transcripts); c.5329+564C>G (NM_001407623.1, NM_001407613.1, NM_001407618.1 and 17 more transcripts); c.5332+564C>G (NM_001407605.1, NM_001407603.1, NM_001407854.1 and 6 more transcripts); c.5119+564C>G (NM_001407902.1, NM_001407898.1, NM_001407894.1 and 12 more transcripts); c.1879+564C>G (NM_001408462.1, NM_001408458.1, NM_001408461.1 and 7 more transcripts); c.4441+564C>G (NM_001407967.1); and 74 more.
Identifiers: ClinVar variation 2565363 (VCV002565363.4), dbSNP rs1335540814, ClinGen allele CA2260763394.